The following is an entry in ClinVar:

ClinVar aggregate classification (germline): Uncertain significance. Review status: criteria provided, multiple submitters, no conflicts (2 of 4 stars). 2 submissions from 2 submitters: Uncertain significance (2). Last evaluated 2022-02-27.

Allele frequency attached by ClinVar (database versions not stated): gnomAD exomes 0.00001 and 0.00004; ExAC 0.00003; gnomAD 0.00008 and 0.00009; TOPMed 0.00012.
gnomAD v4.1: 23 of 1,614,022 alleles (0.0014%); highest among the groups gnomAD compares: African/African-American, 0.02%; no homozygotes.

Submissions (2):

Labcorp Genetics (formerly Invitae), Labcorp
Classification: Uncertain significance. Last evaluated: 2022-02-27. Review status: criteria provided, single submitter. Criteria: Invitae Variant Classification Sherloc (09022015). Collection method: clinical testing. Allele origin: germline.
Comment: This sequence change replaces glycine, which is neutral and non-polar, with arginine, which is basic and polar, at codon 564 of the SLC17A8 protein (p.Gly564Arg). This variant is present in population databases (rs778180234, gnomAD 0.03%). This variant has not been reported in the literature in individuals affected with SLC17A8-related conditions. ClinVar contains an entry for this variant (Variation ID: 286362). Algorithms developed to predict the effect of missense changes on protein structure and function (SIFT, PolyPhen-2, Align-GVGD) all suggest that this variant is likely to be tolerated. In summary, the available evidence is currently insufficient to determine the role of this variant in disease. Therefore, it has been classified as a Variant of Uncertain Significance.

Eurofins Ntd Llc (ga)
Classification: Uncertain significance. Last evaluated: 2016-03-01. Review status: criteria provided, single submitter. Criteria: EGL Classification Definitions 2015. Collection method: clinical testing. Allele origin: germline. Observed: 1 variant allele, 1 heterozygote.

NM_139319.3(SLC17A8):c.1690G>C (p.Gly564Arg)

Gene: SLC17A8 (solute carrier family 17 member 8; plus strand). Cytogenetic location: 12q23.1.
Variant type: single nucleotide variant.
Coding change: c.1690G>C on transcript NM_139319.3 (MANE Select); coding-DNA position 1690, G replaced by C.
Protein change: p.Gly564Arg; replaces glycine 564 with arginine.
Molecular consequence: missense variant.
Genome position (GRCh38, 1-based): chr12:100,420,079, G>C. VCF-style: chr12-100420079-G-C. GRCh37 (hg19) VCF-style: chr12-100813857-G-C.
Other names: c.1540G>C, p.Gly514Arg (NM_001145288.2); short protein forms G564R, G514R.
Identifiers: ClinVar variation 286362 (VCV000286362.9), dbSNP rs778180234, ClinGen allele CA6739082.